The following is an entry in ClinVar:

ClinVar aggregate classification (germline): Likely benign. Review status: criteria provided, multiple submitters, no conflicts (2 of 4 stars). 3 submissions from 3 submitters: Likely benign (3). Last evaluated 2025-11-08.

Conditions:
Aortic aneurysm, familial thoracic 7 (AAT7). Also called: AORTIC DISSECTION, FAMILIAL, WITH OR WITHOUT AORTIC ANEURYSM. Identifiers: MedGen C3151077, MONDO:0013418, OMIM 613780.
Familial thoracic aortic aneurysm and aortic dissection (TAAD). Also called: Thoracic aortic aneurysms and dissections. Identifiers: Orphanet 91387, MedGen C4707243, MONDO:0019625.

Allele frequency attached by ClinVar (database versions not stated): gnomAD exomes 0.00001 and 0.00003; ExAC 0.00004; gnomAD 0.00010; TOPMed 0.00012; 1000 Genomes Project 0.00020; ESP Exome Variant Server 0.00023; 1000 Genomes Project 30x 0.00031.
gnomAD v4.1: 34 of 1,614,196 alleles (0.0021%); highest among the groups gnomAD compares: African/African-American, 0.036%; no homozygotes.

Submissions (3):

Labcorp Genetics (formerly Invitae), Labcorp
Classification: Likely benign for Aortic aneurysm, familial thoracic 7. Last evaluated: 2025-11-08. Review status: criteria provided, single submitter. Criteria: Invitae Variant Classification Sherloc (09022015). Collection method: clinical testing. Allele origin: germline.

Ambry Genetics
Classification: Likely benign for Familial thoracic aortic aneurysm and aortic dissection. Last evaluated: 2023-04-17. Review status: criteria provided, single submitter. Criteria: Ambry Variant Classification Scheme 2023. Collection method: clinical testing. Allele origin: germline.

GeneDx
Classification: Likely benign. Last evaluated: 2017-09-27. Review status: criteria provided, single submitter. Criteria: GeneDx Variant Classification (06012015). Collection method: clinical testing. Allele origin: germline. Affected: yes.
Comment: This variant is considered likely benign or benign based on one or more of the following criteria: it is a conservative change, it occurs at a poorly conserved position in the protein, it is predicted to be benign by multiple in silico algorithms, and/or has population frequency not consistent with disease.

NM_053025.4(MYLK):c.312T>C (p.Tyr104=)

Gene: MYLK (myosin light chain kinase; minus strand). Cytogenetic location: 3q21.1.
Variant type: single nucleotide variant.
Coding change: c.312T>C on transcript NM_053025.4 (MANE Select); coding-DNA position 312, T replaced by C.
Protein change: p.Tyr104=; no amino-acid change (tyrosine 104 retained).
Molecular consequence: synonymous variant. On other transcripts: intron variant (1).
Genome position (GRCh38, 1-based): chr3:123,752,392, A>G on the plus strand (T>C on the coding strand, the complement: MYLK is on the minus strand). VCF-style: chr3-123752392-A-G. GRCh37 (hg19) VCF-style: chr3-123471239-A-G.
Other names: c.312T>C, p.Tyr104= (NM_053026.4, NM_053027.4, NM_053028.4); c.-155-12391T>C (NM_001321309.2).
Identifiers: ClinVar variation 512379 (VCV000512379.6), dbSNP rs147597398, ClinGen allele CA069568.